The following is an entry in ClinVar:

ClinVar aggregate classification (germline): Uncertain significance. Review status: criteria provided, single submitter (1 of 4 stars). 2 submissions from 2 submitters: Uncertain significance (1). 1 of the submissions does not count toward it. Last evaluated 2025-06-04.

Conditions:
Retinal dystrophy. Also called: Inherited retinal dystrophy. Identifiers: Orphanet 71862, MedGen C0854723, MeSH D058499, MONDO:0019118, HP:0000556.

gnomAD v4.1: 2 of 1,614,214 alleles (0.00012%); highest among the groups gnomAD compares: Non-Finnish European, 0.00017%; no homozygotes.

Submissions (2):

Labcorp Genetics (formerly Invitae), Labcorp
Classification: Uncertain significance. Last evaluated: 2025-06-04. Review status: criteria provided, single submitter. Criteria: Invitae Variant Classification Sherloc (09022015). Collection method: clinical testing. Allele origin: germline.
Comment: This sequence change replaces leucine, which is neutral and non-polar, with proline, which is neutral and non-polar, at codon 599 of the SLC7A14 protein (p.Leu599Pro). This variant is present in population databases (no rsID available, gnomAD 0.0009%). This variant has not been reported in the literature in individuals affected with SLC7A14-related conditions. ClinVar contains an entry for this variant (Variation ID: 938371). An algorithm developed to predict the effect of missense changes on protein structure and function (PolyPhen-2) suggests that this variant is likely to be disruptive. In summary, the available evidence is currently insufficient to determine the role of this variant in disease. Therefore, it has been classified as a Variant of Uncertain Significance.

Institute of Human Genetics, Univ. Regensburg, Univ. Regensburg
Classification: Uncertain significance for Retinal dystrophy. Last evaluated: 2019-01-01. Review status: no assertion criteria provided. Criteria: ACMG Guidelines, 2015. Collection method: clinical testing. Allele origin: germline. Affected: yes. Not counted in ClinVar's aggregate classification.

NM_020949.3(SLC7A14):c.1796T>C (p.Leu599Pro)

Genes: SLC7A14 (solute carrier family 7 member 14; minus strand), SLC7A14-AS1 (SLC7A14 antisense RNA 1; plus strand). Cytogenetic location: 3q26.2.
Variant type: single nucleotide variant.
Coding change: c.1796T>C on transcript NM_020949.3 (MANE Select); coding-DNA position 1796, T replaced by C.
Protein change: p.Leu599Pro; replaces leucine 599 with proline.
Molecular consequence: missense variant.
Genome position (GRCh38, 1-based): chr3:170,480,486, A>G on the plus strand (T>C on the coding strand, the complement: SLC7A14 is on the minus strand). VCF-style: chr3-170480486-A-G. GRCh37 (hg19) VCF-style: chr3-170198275-A-G.
Other names: short protein forms L599P.
Identifiers: ClinVar variation 938371 (VCV000938371.10), dbSNP rs760717830, ClinGen allele CA355489149.
Genomic context (GRCh38, chr3:170,480,486, plus strand): 5'-GGCTGCTGCAGGATCACAAACACCAGGGTGCTGATCAGCAGCACCATCAGAACAACCAGA[A>G]GGATGGCCCACCAGCTCTGCTCTGAGATGTAGTCAGAACCAAAGATGATGAAGGAGCAGA-3'
Protein context (NP_066000.2, residues 589-609): YISEQSWWAI[Leu599Pro]LVVLMVLLIS